The following is an entry in ClinVar:

NM_152383.5(DIS3L2):c.951-3T>C

Gene: DIS3L2 (DIS3 like 3'-5' exoribonuclease 2; plus strand). Cytogenetic location: 2q37.1.
Variant type: single nucleotide variant.
Coding change: c.951-3T>C on transcript NM_152383.5 (MANE Select); 3 bases into the intron before coding-DNA position 951, T replaced by C.
Molecular consequence: intron variant.
Genome position (GRCh38, 1-based): chr2:232,163,456, T>C. VCF-style: chr2-232163456-T-C. GRCh37 (hg19) VCF-style: chr2-233028166-T-C.
Other names: c.951-3T>C (NM_001257281.2).
Identifiers: ClinVar variation 1000101 (VCV001000101.6), dbSNP rs1690713341, ClinGen allele CA1335135985.

ClinVar aggregate classification (germline): Uncertain significance (1 of 4 stars; one submission).

Conditions:
Perlman syndrome (PRLMNS). Identifiers: Orphanet 2849, MedGen C0796113, MONDO:0009965, OMIM 267000.

Allele frequency attached by ClinVar (database versions not stated): gnomAD exomes below 0.00001.
gnomAD v4.1: 1 of 1,613,594 alleles (0.000062%); highest among the groups gnomAD compares: East Asian, 0.0022%; no homozygotes.

Submission:

Labcorp Genetics (formerly Invitae), Labcorp
Classification: Uncertain significance for Perlman syndrome. Last evaluated: 2020-10-29. Review status: criteria provided, single submitter. Criteria: Invitae Variant Classification Sherloc (09022015). Collection method: clinical testing. Allele origin: germline.
Comment: Nucleotide substitutions within the consensus splice site are a relatively common cause of aberrant splicing (PMID: 17576681, 9536098). Algorithms developed to predict the effect of sequence changes on RNA splicing suggest that this variant is not likely to affect RNA splicing, but this prediction has not been confirmed by published transcriptional studies. In summary, the available evidence is currently insufficient to determine the role of this variant in disease. Therefore, it has been classified as a Variant of Uncertain Significance. This variant has not been reported in the literature in individuals with DIS3L2-related conditions. This variant is not present in population databases (ExAC no frequency). This sequence change falls in intron 8 of the DIS3L2 gene. It does not directly change the encoded amino acid sequence of the DIS3L2 protein, but it affects a nucleotide within the consensus splice site of the intron.

Literature cited by the submitters: PubMed 17576681; PubMed 9536098.